The following is an entry in ClinVar:

NM_177438.3(DICER1):c.3483del (p.Gly1162fs)

Gene: DICER1 (dicer 1, ribonuclease III; minus strand). Cytogenetic location: 14q32.13.
Variant type: Deletion.
Coding change: c.3483del on transcript NM_177438.3 (MANE Select); coding-DNA position 3483, one base deleted (T; older notation c.3483delT).
Protein change: p.Gly1162fs; shifts the reading frame from glycine 1162.
Molecular consequence: frameshift variant. On other transcripts: non-coding transcript variant (6).
Genome position (GRCh38, 1-based): chr14:95,103,913, A deleted on the plus strand (T on the coding strand, the reverse complement: DICER1 is on the minus strand). VCF-style (leftmost placement, unchanged base first): chr14-95103912-CA-C. GRCh37 (hg19) VCF-style: chr14-95570249-CA-C.
Other names: c.3483del, p.Gly1162fs (NM_001395692.1, NM_001395693.1, NM_001395694.1 and 12 more transcripts); c.3078del, p.Gly1027fs (NM_001395696.1, NM_001395687.1, NM_001395688.1 and 2 more transcripts); c.1800del, p.Gly601fs (NM_001395697.1); c.3201del, p.Gly1068fs (NM_001395686.1); c.2916del, p.Gly973fs (NM_001395691.1); short protein forms G1162fs, G601fs, G1068fs, G973fs, G1027fs.
Identifiers: ClinVar variation 4719219 (VCV004719219.2).
Genomic context (GRCh38, chr14:95,103,912, plus strand): 5'-GATTGTAAGAAAGACCATTAATTGCTGTAAGATCTGCTGAAACTTCAACGTGGAGCTTAC[CA>C]GGGGACTCGCTGAGCAACGTTCTGCAGTTCACAGACATTTGGTCATGATTTTCTAGAGAG-3'

ClinVar aggregate classification (germline): Pathogenic. Review status: criteria provided, multiple submitters, no conflicts (2 of 4 stars). 2 submissions from 2 submitters: Pathogenic (2). Last evaluated 2026-07-13.

Conditions:
Hereditary cancer-predisposing syndrome. Also called: Hereditary Cancer Syndrome; Hereditary neoplastic syndrome; Neoplastic Syndromes, Hereditary; Tumor predisposition. Identifiers: Orphanet 140162, MedGen C0027672, MeSH D009386, MONDO:0015356.
DICER1-related tumor predisposition. Also called: DICER1-related pleuropulmonary blastoma cancer predisposition syndrome; DICER1 syndrome. Identifiers: Orphanet 284343, MedGen C3839822, MONDO:0100216.

Submissions (2):

Ambry Genetics
Classification: Pathogenic for Hereditary cancer-predisposing syndrome. Last evaluated: 2026-07-13. Review status: criteria provided, single submitter. Criteria: Ambry Variant Classification Scheme 2023. Collection method: clinical testing. Allele origin: germline.
Comment: The c.3483delT pathogenic mutation, located in coding exon 20 of the DICER1 gene, results from a deletion of one nucleotide at nucleotide position 3483, causing a translational frameshift with a predicted alternate stop codon (p.G1162Vfs*30). This variant was reported in individual(s) with features consistent with DICER1-related tumor predisposition (Ambry internal data). This variant is considered to be rare based on population cohorts in the Genome Aggregation Database (gnomAD). This alteration is expected to result in loss of function by premature protein truncation or nonsense-mediated mRNA decay. As such, this alteration is interpreted as a disease-causing mutation.

Labcorp Genetics (formerly Invitae), Labcorp
Classification: Pathogenic for DICER1-related tumor predisposition. Last evaluated: 2025-05-08. Review status: criteria provided, single submitter. Criteria: Invitae Variant Classification Sherloc (09022015). Collection method: clinical testing. Allele origin: germline.
Comment: This sequence change creates a premature translational stop signal (p.Gly1162Valfs*30) in the DICER1 gene. It is expected to result in an absent or disrupted protein product. Loss-of-function variants in DICER1 are known to be pathogenic (PMID: 19556464, 21266384). This variant is not present in population databases (gnomAD no frequency). This variant has not been reported in the literature in individuals affected with DICER1-related conditions. For these reasons, this variant has been classified as Pathogenic.

Literature cited by the submitters: PubMed 19556464 (cited by Labcorp Genetics (formerly Invitae), Labcorp); PubMed 21266384 (cited by Labcorp Genetics (formerly Invitae), Labcorp).